The following is an entry in ClinVar:

NM_020975.6(RET):c.1769T>C (p.Ile590Thr)

Gene: RET (ret proto-oncogene; plus strand). Cytogenetic location: 10q11.21.
Variant type: single nucleotide variant.
Coding change: c.1769T>C on transcript NM_020975.6 (MANE Select); coding-DNA position 1769, T replaced by C.
Protein change: p.Ile590Thr; replaces isoleucine 590 with threonine.
Molecular consequence: missense variant.
Genome position (GRCh38, 1-based): chr10:43,113,565, T>C. VCF-style: chr10-43113565-T-C. GRCh37 (hg19) VCF-style: chr10-43609013-T-C.
Other names: c.779T>C, p.Ile260Thr (NM_001406784.1); c.743T>C, p.Ile248Thr (NM_001406786.1, NM_001406783.1); c.872T>C, p.Ile291Thr (NM_001406787.1, NM_001406779.1, NM_001406780.1 and 2 more transcripts); c.584T>C, p.Ile195Thr (NM_001406788.1, NM_001406789.1, NM_001406790.1); c.320T>C, p.Ile107Thr (NM_001406792.1, NM_001406793.1, NM_001406794.1); c.1769T>C, p.Ile590Thr (NM_000323.2, NM_001406743.1, NM_001406744.1 and 6 more transcripts); c.1007T>C, p.Ile336Thr (NM_001355216.2); c.1640T>C, p.Ile547Thr (NM_001406761.1, NM_001406762.1, NM_001406764.1 and 1 more transcripts); and 5 more; short protein forms I336T, I590T, I248T, I348T, I195T, I260T, I444T, I494T.
Identifiers: ClinVar variation 1510144 (VCV001510144.12), dbSNP rs1348219647, ClinGen allele CA376552446.

ClinVar aggregate classification (germline): Uncertain significance. Review status: criteria provided, multiple submitters, no conflicts (2 of 4 stars). 2 submissions from 2 submitters: Uncertain significance (2). Last evaluated 2025-05-06.

Conditions:
Hereditary cancer-predisposing syndrome. Also called: Hereditary neoplastic syndrome; Neoplastic Syndromes, Hereditary; Tumor predisposition; Hereditary Cancer Syndrome. Identifiers: Orphanet 140162, MedGen C0027672, MeSH D009386, MONDO:0015356.
Multiple endocrine neoplasia, type 2 (MEN2). Identifiers: Orphanet 653, MedGen C4048306, MONDO:0019003. Disease mechanism: gain of function.

Allele frequency attached by ClinVar (database versions not stated): gnomAD exomes below 0.00001 and 0.00001; TOPMed below 0.00001.
gnomAD v4.1: 19 of 1,608,520 alleles (0.0012%); highest among the groups gnomAD compares: East Asian, 0.0022%; no homozygotes.

Submissions (2):

Labcorp Genetics (formerly Invitae), Labcorp
Classification: Uncertain significance for Multiple endocrine neoplasia, type 2. Last evaluated: 2025-05-06. Review status: criteria provided, single submitter. Criteria: Invitae Variant Classification Sherloc (09022015). Collection method: clinical testing. Allele origin: germline.
Comment: This sequence change replaces isoleucine, which is neutral and non-polar, with threonine, which is neutral and polar, at codon 590 of the RET protein (p.Ile590Thr). This variant is present in population databases (no rsID available, gnomAD 0.0009%). This variant has not been reported in the literature in individuals affected with RET-related conditions. ClinVar contains an entry for this variant (Variation ID: 1510144). An algorithm developed to predict the effect of missense changes on protein structure and function (PolyPhen-2) suggests that this variant is likely to be disruptive. In summary, the available evidence is currently insufficient to determine the role of this variant in disease. Therefore, it has been classified as a Variant of Uncertain Significance.

Ambry Genetics
Classification: Uncertain significance for Hereditary cancer-predisposing syndrome. Last evaluated: 2024-09-02. Review status: criteria provided, single submitter. Criteria: Ambry Variant Classification Scheme 2023. Collection method: clinical testing. Allele origin: germline.
Comment: The p.I590T variant (also known as c.1769T>C), located in coding exon 10 of the RET gene, results from a T to C substitution at nucleotide position 1769. The isoleucine at codon 590 is replaced by threonine, an amino acid with similar properties. This amino acid position is well conserved in available vertebrate species. In addition, this alteration is predicted to be deleterious by in silico analysis. Since supporting evidence is limited at this time, the clinical significance of this alteration remains unclear.